The following is an entry in ClinVar:

ClinVar aggregate classification (germline): Pathogenic. Review status: criteria provided, multiple submitters, no conflicts (2 of 4 stars). 3 submissions from 3 submitters: Pathogenic (3). Last evaluated 2025-01-23.

Conditions:
Spastic ataxia 5. Also called: Spastic Ataxia Type 5 (SPAX5). Identifiers: Orphanet 313772, MedGen C3280977, MONDO:0013776, OMIM 614487.

Allele frequency attached by ClinVar (database versions not stated): 1000 Genomes Project 0.00020; gnomAD exomes 0.00001; ExAC 0.00002; 1000 Genomes Project 30x 0.00016; TOPMed below 0.00001; gnomAD 0.00001.

Submissions (3):

Athena Diagnostics
Classification: Pathogenic. Last evaluated: 2025-01-23. Review status: criteria provided, single submitter. Criteria: Athena Diagnostics Criteria. Collection method: clinical testing. Allele origin: unknown.
Comment: This variant is expected to result in the loss of a functional protein. The frequency of this variant in the general population is consistent with pathogenicity. This variant has been identified in at least one individual with clinical features associated with this gene.

Labcorp Genetics (formerly Invitae), Labcorp
Classification: Pathogenic. Last evaluated: 2024-04-02. Review status: criteria provided, single submitter. Criteria: Invitae Variant Classification Sherloc (09022015). Collection method: clinical testing. Allele origin: germline.
Comment: This sequence change creates a premature translational stop signal (p.Arg68*) in the AFG3L2 gene. It is expected to result in an absent or disrupted protein product. Loss-of-function variants in AFG3L2 are known to be pathogenic (PMID: 32248051). This variant is present in population databases (rs543422544, gnomAD 0.01%). This variant has not been reported in the literature in individuals affected with AFG3L2-related conditions. ClinVar contains an entry for this variant (Variation ID: 805326). For these reasons, this variant has been classified as Pathogenic.

Victorian Clinical Genetics Services, Murdoch Childrens Research Institute
Classification: Pathogenic for Spastic ataxia 5. Last evaluated: 2022-02-02. Review status: criteria provided, single submitter. Criteria: ACMG Guidelines, 2015. Collection method: clinical testing. Allele origin: germline. Inheritance: Autosomal recessive inheritance.
Comment: Based on the classification scheme VCGS_Germline_v1.3.4, this variant is classified as Pathogenic. Following criteria are met: 0102 - Loss of function is a known mechanism of disease in this gene and is associated with autosomal recessive spastic ataxia 5 (MIM#614487), autosomal dominant optic atrophy and spinocerebellar ataxia 28 (MIM#610246) (PMIDs: 30910913 and 32600459). (I) 0108 - This gene is associated with both recessive and dominant disease. Variants associated with autosomal dominant optic atrophy are mostly located within or close to the AAA domain, while most variants associated with autosomal dominant spinocerebellar ataxia 28, (MIM#610246) and autosomal recessive spastic ataxia 5 (MIM#614487) are located in the proteolytic domain (PMIDs: 32600459, 32219868). (I) 0201 - Variant is predicted to cause nonsense-mediated decay (NMD) and loss of protein (premature termination codon is located at least 54 nucleotides upstream of the final exon-exon junction). (SP) 0251 - This variant is heterozygous. (I) 0302 - Variant is present in gnomAD (v2) <0.001 for a dominant condition (3 heterozygotes, 0 homozygote). (SP) 0702 - Other premature termination variants comparable to the one identified in this case have strong previous evidence for pathogenicity. More than 5 NMD-predicted variants have been reported, including as compound heterozygous in a patient with cerebellar signs and dystonia and as monoallelic in several individuals with cerebellar ataxia (ClinVar and PMIDs: 24272953, 29482223, 30910913, 32219868). However the association between monoallelic NMD-predicted variants with disease is uncertain. (SP) 0803 - This variant has limited previous evidence of pathogenicity in an unrelated individual. It has been reported as likely pathogenic in ClinVar, however the variant zygosity and clinical phenotype were not provided. (I) Legend: (SP) - Supporting pathogenic, (I) - Information, (SB) - Supporting benign

Literature cited by the submitters: PubMed 37332640 (cited by Athena Diagnostics); PubMed 32248051 (cited by Labcorp Genetics (formerly Invitae), Labcorp); PubMed 24272953 (cited by Victorian Clinical Genetics Services, Murdoch Childrens Research Institute); PubMed 29482223 (cited by Victorian Clinical Genetics Services, Murdoch Childrens Research Institute); PubMed 30910913 (cited by Victorian Clinical Genetics Services, Murdoch Childrens Research Institute); PubMed 32219868 (cited by Victorian Clinical Genetics Services, Murdoch Childrens Research Institute); PubMed 32600459 (cited by Victorian Clinical Genetics Services, Murdoch Childrens Research Institute).

NM_006796.3(AFG3L2):c.202C>T (p.Arg68Ter)

Gene: AFG3L2 (AFG3 like matrix AAA peptidase subunit 2; minus strand). Cytogenetic location: 18p11.21.
Variant type: single nucleotide variant.
Coding change: c.202C>T on transcript NM_006796.3 (MANE Select); coding-DNA position 202, C replaced by T.
Protein change: p.Arg68Ter; replaces arginine 68 with a stop codon.
Molecular consequence: nonsense.
Genome position (GRCh38, 1-based): chr18:12,371,604, G>A on the plus strand (C>T on the coding strand, the complement: AFG3L2 is on the minus strand). VCF-style: chr18-12371604-G-A. GRCh37 (hg19) VCF-style: chr18-12371603-G-A.
Other names: short protein forms R68*.
Identifiers: ClinVar variation 805326 (VCV000805326.5), dbSNP rs543422544, ClinGen allele CA8896828.